The following is an entry in ClinVar:

NM_152564.5(VPS13B):c.8136G>C (p.Leu2712Phe)

Gene: VPS13B (vacuolar protein sorting 13 homolog B; plus strand). Cytogenetic location: 8q22.2.
Variant type: single nucleotide variant.
Coding change: c.8136G>C on transcript NM_152564.5 (MANE Select); coding-DNA position 8136, G replaced by C.
Protein change: p.Leu2712Phe; replaces leucine 2712 with phenylalanine.
Molecular consequence: missense variant.
Genome position (GRCh38, 1-based): chr8:99,817,578, G>C. VCF-style: chr8-99817578-G-C. GRCh37 (hg19) VCF-style: chr8-100829806-G-C.
Other names: c.8211G>C, p.Leu2737Phe (NM_017890.5); short protein forms L2737F, L2712F.
Identifiers: ClinVar variation 4996829 (VCV004996829.1).
Genomic context (GRCh38, chr8:99,817,578, plus strand): 5'-TATATACTTAACTGTCTTTTAGATTATCATCTGTGGAAGACAGATCATCTGTAGTTACTT[G>C]TCTCAAAGCATAGAACTAAAAGTCGTTCAGCATTACATTGGTCAAGATGGACAAGCTGTA-3'
Protein context (NP_689777.3, residues 2702-2722): ICGRQIICSY[Leu2712Phe]SQSIELKVVQ

ClinVar aggregate classification (germline): Uncertain significance (1 of 4 stars; one submission).

Conditions:
VPS13B-related disorder. Also called: VPS13B-related condition.

Submission:

PreventionGenetics, part of Exact Sciences
Classification: Uncertain significance for VPS13B-related condition. Last evaluated: 2025-05-01. Review status: criteria provided, single submitter. Criteria: ACMG Guidelines, 2015. Collection method: clinical testing. Allele origin: germline.
Comment: The VPS13B c.8136G>C variant is predicted to result in the amino acid substitution p.Leu2712Phe. To our knowledge, this variant has not been reported in the literature or in a large population database (gnomAD), indicating this variant is rare. At this time, the clinical significance of this variant is uncertain due to the absence of conclusive functional and genetic evidence.